The following is an entry in ClinVar:

NM_000155.4(GALT):c.211C>G (p.Leu71Val)

Genes: GALT (galactose-1-phosphate uridylyltransferase; plus strand), LOC130001683 (ATAC-STARR-seq lymphoblastoid active region 28314; plus strand). Cytogenetic location: 9p13.3.
Variant type: single nucleotide variant.
Coding change: c.211C>G on transcript NM_000155.4 (MANE Select); coding-DNA position 211, C replaced by G.
Protein change: p.Leu71Val; replaces leucine 71 with valine.
Molecular consequence: missense variant. On other transcripts: synonymous variant (1).
Genome position (GRCh38, 1-based): chr9:34,647,217, C>G. VCF-style: chr9-34647217-C-G. GRCh37 (hg19) VCF-style: chr9-34647214-C-G.
Other names: p.Leu71Val; c.9C>G, p.Leu3= (NM_001258332.2); short protein forms L71V.
Identifiers: ClinVar variation 495673 (VCV000495673.7), dbSNP rs143994870, ClinGen allele CA373278750.

ClinVar aggregate classification (germline): Uncertain significance. Review status: criteria provided, multiple submitters, no conflicts (2 of 4 stars). 5 submissions from 5 submitters: Uncertain significance (4). 1 of the submissions does not count toward it. Last evaluated 2025-07-29.

Conditions:
Galactosemia. Also called: Galactose intolerance. Identifiers: Orphanet 352, MedGen C0016952, MONDO:0018116, HP:0004919. Disease mechanism: loss of function.

Submissions (5):

Mayo Clinic Laboratories, Mayo Clinic
Classification: Uncertain significance. Last evaluated: 2025-07-29. Review status: criteria provided, single submitter. Criteria: ACMG Guidelines, 2015. Collection method: clinical testing. Allele origin: germline. Observed: 2 variant alleles.
Comment: BP2, PM2_moderate

GeneDx
Classification: Uncertain significance. Last evaluated: 2025-02-28. Review status: criteria provided, single submitter. Criteria: GeneDx Variant Classification Process June 2021. Collection method: clinical testing. Allele origin: germline. Affected: yes.
Comment: Not observed at significant frequency in large population cohorts (gnomAD); In silico analysis indicates that this missense variant does not alter protein structure/function; Has not been previously published as pathogenic or benign to our knowledge

Eurofins Ntd Llc (ga)
Classification: Uncertain significance. Last evaluated: 2016-10-04. Review status: criteria provided, single submitter. Criteria: EGL Classification Definitions 2015. Collection method: clinical testing. Allele origin: germline. Observed: 1 variant allele, 1 heterozygote.

Women's Health and Genetics/Laboratory Corporation of America, LabCorp
Classification: Uncertain significance. Last evaluated: 2016-02-19. Review status: criteria provided, single submitter. Criteria: LabCorp Variant Classification Summary - May 2015. Collection method: clinical testing. Allele origin: germline.
Comment: Variant summary: c.211C>G affects a non-conserved nucleotide, resulting in amino acid change from Leu to Val. 4/4 in-silico tools predict this variant to be benign (SNPs&GO not captured due to low reliability index). This variant was not found in 121178 control chromosomes. The variant of interest has not been reported in affected individuals via publications and/or reputable databases/clinical laboratories; nor evaluated for functional impact by in vivo/vitro studies. Because of the absence of clinical information and the lack of functional studies, the variant was classified as a variant of uncertain significance (VUS) until additional information becomes available.

Natera, Inc.
Classification: Uncertain significance for Galactosemia. Last evaluated: 2018-09-21. Review status: no assertion criteria provided. Collection method: clinical testing. Allele origin: germline. Not counted in ClinVar's aggregate classification.